The following is an entry in ClinVar:

ClinVar aggregate classification (germline): Uncertain significance (1 of 4 stars; one submission).

Conditions:
Waardenburg syndrome. Also called: Waardenburg's syndrome. Identifiers: Orphanet 3440, MedGen C3266898, MONDO:0018094.

gnomAD v4.1: 1 of 1,613,264 alleles (0.000062%); highest among the groups gnomAD compares: South Asian, 0.0011%; no homozygotes.

Submission:

Victorian Clinical Genetics Services, Murdoch Childrens Research Institute
Classification: Uncertain significance for Waardenburg syndrome. Last evaluated: 2023-07-17. Review status: criteria provided, single submitter. Criteria: ACMG Guidelines, 2015. Collection method: clinical testing. Allele origin: germline. Inheritance: Autosomal dominant inheritance. Affected: yes.
Comment: Based on the classification scheme VCGS_Germline_v1.3.3, this variant is classified as 3B-VUS. Following criteria are met: 0102 - Loss of function is a known mechanism of disease in this gene and is associated with Waardenburg syndrome. (I) 0108 - This gene is associated with both recessive and dominant disease. Waardenburg syndrome is typically dominant (MIM#193500), but has been seen in more severe cases associated with recessive inheritance (MIM#148820) (PMID: 30854529). (I) 0115 - Variants in this gene are known to have variable expressivity (PMID: 30854529). (I) 0200 - Variant is predicted to result in a missense amino acid change from serine to phenylalanine. (I) 0219 - This variant is non-coding in an alternative transcript. However, this variant is coding in both the currently predominantly reported transcript in ClinVar (NM_181458.4), and in the transcript with higher expression in GTEx (NM_181457.3). (I) 0251 - This variant is heterozygous. (I) 0301 - Variant is absent from gnomAD (both v2 and v3). (SP) 0501 - Missense variant consistently predicted to be damaging by multiple in silico tools or highly conserved with a major amino acid change. (SP) 0604 - Variant is not located in an established domain, motif, hotspot or informative constraint region. (I) 0705 - No comparable missense variants have previous evidence for pathogenicity. (I) 0807 - This variant has no previous evidence of pathogenicity. (I) 0905 - No published segregation evidence has been identified for this variant. (I) 1007 - No published functional evidence has been identified for this variant. (I) Legend: (SP) - Supporting pathogenic, (I) - Information, (SB) - Supporting benign

Literature cited by the submitters: PubMed 30854529.

NM_181458.4(PAX3):c.1238C>T (p.Ser413Phe)

Gene: PAX3 (paired box 3; minus strand). Cytogenetic location: 2q36.1.
Variant type: single nucleotide variant.
Coding change: c.1238C>T on transcript NM_181458.4 (MANE Select); coding-DNA position 1238, C replaced by T.
Protein change: p.Ser413Phe; replaces serine 413 with phenylalanine.
Molecular consequence: missense variant. On other transcripts: intron variant (2).
Genome position (GRCh38, 1-based): chr2:222,202,126, G>A on the plus strand (C>T on the coding strand, the complement: PAX3 is on the minus strand). VCF-style: chr2-222202126-G-A. GRCh37 (hg19) VCF-style: chr2-223066845-G-A.
Other names: c.1235C>T, p.Ser412Phe (NM_001127366.3); c.1238C>T, p.Ser413Phe (NM_181457.4, NM_181459.4); c.1174-684C>T (NM_181460.4, NM_181461.4); short protein forms S412F, S413F.
Identifiers: ClinVar variation 3377159 (VCV003377159.1).